The following is an entry in ClinVar:

ClinVar aggregate classification (germline): Conflicting classifications of pathogenicity. Review status: criteria provided, conflicting classifications (1 of 4 stars). 4 submissions from 4 submitters: Likely pathogenic (1); Uncertain significance (3). Last evaluated 2025-08-29.

Conditions:
Factor I deficiency (CFID). Also called: Complement factor I deficiency. Identifiers: Orphanet 200418, MedGen C3463916, MONDO:0012594, OMIM 610984.
Atypical hemolytic-uremic syndrome with I factor anomaly. Also called: HEMOLYTIC UREMIC SYNDROME, ATYPICAL, SUSCEPTIBILITY TO, 3; AHUS, SUSCEPTIBILITY TO, 3. Identifiers: Orphanet 2134, MedGen C2752039, MONDO:0013041, OMIM 612923.
Age related macular degeneration 13. Identifiers: MedGen C3809523, MONDO:0014189, OMIM 615439.

gnomAD v4.1: 15 of 1,614,064 alleles (0.00093%); highest among the groups gnomAD compares: Non-Finnish European, 0.0012%; no homozygotes.

Submissions (4):

Labcorp Genetics (formerly Invitae), Labcorp
Classification: Uncertain significance. Last evaluated: 2025-08-29. Review status: criteria provided, single submitter. Criteria: Invitae Variant Classification Sherloc (09022015). Collection method: clinical testing. Allele origin: germline.
Comment: This sequence change replaces alanine, which is neutral and non-polar, with serine, which is neutral and polar, at codon 431 of the CFI protein (p.Ala431Ser). This variant is present in population databases (rs758017357, gnomAD 0.003%). This variant has not been reported in the literature in individuals affected with CFI-related conditions. ClinVar contains an entry for this variant (Variation ID: 1354283). Invitae Evidence Modeling of protein sequence and biophysical properties (such as structural, functional, and spatial information, amino acid conservation, physicochemical variation, residue mobility, and thermodynamic stability) indicates that this missense variant is expected to disrupt CFI protein function with a positive predictive value of 80%. In summary, the available evidence is currently insufficient to determine the role of this variant in disease. Therefore, it has been classified as a Variant of Uncertain Significance.

Mayo Clinic Laboratories, Mayo Clinic
Classification: Uncertain significance. Last evaluated: 2024-08-19. Review status: criteria provided, single submitter. Criteria: ACMG Guidelines, 2015. Collection method: clinical testing. Allele origin: germline. Observed: 1 variant allele.
Comment: PP3

Fulgent Genetics
Classification: Uncertain significance for Factor I deficiency; Atypical hemolytic-uremic syndrome with I factor anomaly; Age related macular degeneration 13. Last evaluated: 2024-02-20. Review status: criteria provided, single submitter. Criteria: ACMG Guidelines, 2015. Collection method: clinical testing. Allele origin: germline.

MVZ Medizinische Genetik Mainz
Classification: Likely pathogenic for Atypical hemolytic-uremic syndrome with I factor anomaly. Last evaluated: 2023-07-04. Review status: criteria provided, single submitter. Criteria: UK Practice Guidelines For Variant Classification V4 01 2020. Collection method: clinical testing. Allele origin: germline. Inheritance: Autosomal dominant inheritance. Affected: yes. Observed: 1 variant allele.
Comment: ACMG Criteria: PS4_MOD,PM5,PP3_MOD,PM1_SUP,PM2_SUP,PP4

NM_000204.5(CFI):c.1291G>T (p.Ala431Ser)

Gene: CFI (complement factor I; minus strand). Cytogenetic location: 4q25.
Variant type: single nucleotide variant.
Coding change: c.1291G>T on transcript NM_000204.5 (MANE Select); coding-DNA position 1291, G replaced by T.
Protein change: p.Ala431Ser; replaces alanine 431 with serine.
Molecular consequence: missense variant. On other transcripts: non-coding transcript variant (2).
Genome position (GRCh38, 1-based): chr4:109,746,360, C>A on the plus strand (G>T on the coding strand, the complement: CFI is on the minus strand). VCF-style: chr4-109746360-C-A. GRCh37 (hg19) VCF-style: chr4-110667516-C-A.
Other names: p.Ala431Ser; c.1291G>T (NM_000204.4); c.1315G>T, p.Ala439Ser (NM_001318057.2, NM_001375278.1); c.1270G>T, p.Ala424Ser (NM_001331035.2, NM_001375280.1, NM_001375282.1); c.1291G>T, p.Ala431Ser (NM_001375279.1, NM_001375281.1); c.1234G>T, p.Ala412Ser (NM_001375283.1); c.682G>T, p.Ala228Ser (NM_001375284.1); short protein forms A424S, A431S, A228S, A412S, A439S.
Identifiers: ClinVar variation 1354283 (VCV001354283.12), dbSNP rs758017357, ClinGen allele CA3041951.